The following is an entry in ClinVar:

ClinVar aggregate classification (germline): Conflicting classifications of pathogenicity. Review status: criteria provided, conflicting classifications (1 of 4 stars). 6 submissions from 6 submitters: Uncertain significance (5); Likely benign (1). Last evaluated 2026-10-15.

Conditions:
Usher syndrome type 2. Also called: Usher Syndrome Type II. Identifiers: Orphanet 231178, MedGen C0339534, MONDO:0016484.
ADGRV1-related disorder. Also called: ADGRV1-related disorders; ADGRV1-related condition.

Allele frequency attached by ClinVar (database versions not stated): gnomAD exomes 0.00005 and 0.00009; TOPMed 0.00002; ExAC 0.00008; gnomAD 0.00010.
gnomAD v4.1: 94 of 1,613,828 alleles (0.0058%); highest among the groups gnomAD compares: East Asian, 0.027%; no homozygotes.

Submissions (6):

GeneDx
Classification: Uncertain significance. Last evaluated: 2026-10-15. Review status: criteria provided, single submitter. Criteria: GeneDx Variant Classification Process June 2021. Collection method: clinical testing. Allele origin: germline.
Comment: Observed with a second variant (phase unknown) in a patient with retinitis pigmentosa in published literature (PMID: 33090715); In silico analysis suggests that this missense variant does not alter protein structure/function; This variant is associated with the following publications: (PMID: 33090715)

Labcorp Genetics (formerly Invitae), Labcorp
Classification: Likely benign. Last evaluated: 2026-01-26. Review status: criteria provided, single submitter. Criteria: Invitae Variant Classification Sherloc (09022015). Collection method: clinical testing. Allele origin: germline.

PreventionGenetics, part of Exact Sciences
Classification: Uncertain significance for ADGRV1-related condition. Last evaluated: 2025-10-06. Review status: criteria provided, single submitter. Criteria: ACMG Guidelines, 2015. Collection method: clinical testing. Allele origin: germline.
Comment: The ADGRV1 c.3934G>A variant is predicted to result in the amino acid substitution p.Val1312Met. This variant was reported in the compound heterozygous state with ADGRV1 p.Leu2436Arg variant in an individual with retinitis pigmentosa (patient 189, Table S2, Liu et al. 2020. PubMed ID: 33090715). This variant is reported in 0.032% of alleles in individuals of European (Finnish) descent in gnomAD. At this time, the clinical significance of this variant is uncertain due to the absence of conclusive functional and genetic evidence.

Blueprint Genetics
Classification: Uncertain significance. Last evaluated: 2024-07-04. Review status: criteria provided, single submitter. Criteria: ACMG Guidelines, 2015. Collection method: clinical testing. Allele origin: germline.

Women's Health and Genetics/Laboratory Corporation of America, LabCorp
Classification: Uncertain significance. Last evaluated: 2023-07-07. Review status: criteria provided, single submitter. Criteria: LabCorp Variant Classification Summary - May 2015. Collection method: clinical testing. Allele origin: germline.
Comment: Variant summary: ADGRV1 c.3934G>A (p.Val1312Met) results in a conservative amino acid change in the encoded protein sequence. Three of five in-silico tools predict a damaging effect of the variant on protein function. The variant allele was found at a frequency of 8.8e-05 in 248914 control chromosomes (gnomAD). This frequency is not significantly higher than estimated for a pathogenic variant in ADGRV1 causing Usher Syndrome (8.8e-05 vs 0.0054), allowing no conclusion about variant significance. c.3934G>A has been reported in the literature in an individual affected with Retinitis pigmentosa (RP) (example: Liu_2021). These report(s) do not provide unequivocal conclusions about association of the variant with Usher Syndrome. To our knowledge, no experimental evidence demonstrating an impact on protein function has been reported. The following publication has been ascertained in the context of this evaluation (PMID: 33090715). One submitter has cited clinical-significance assessments for this variant to ClinVar after 2014 and has classified the variant as likely benign. Based on the evidence outlined above, the variant was classified as uncertain significance.

Department of Pathology and Laboratory Medicine, Sinai Health System
Classification: Uncertain significance for Usher syndrome type 2. Last evaluated: 2022-07-19. Review status: criteria provided, single submitter. Criteria: ACMG Guidelines, 2015. Collection method: research. Allele origin: germline.

Literature cited by the submitters: PubMed 33090715 (cited by Women's Health and Genetics/Laboratory Corporation of America, LabCorp).

NM_032119.4(ADGRV1):c.3934G>A (p.Val1312Met)

Gene: ADGRV1 (adhesion G protein-coupled receptor V1; plus strand). Cytogenetic location: 5q14.3.
Variant type: single nucleotide variant.
Coding change: c.3934G>A on transcript NM_032119.4 (MANE Select); coding-DNA position 3934, G replaced by A.
Protein change: p.Val1312Met; replaces valine 1312 with methionine.
Molecular consequence: missense variant. On other transcripts: non-coding transcript variant (1).
Genome position (GRCh38, 1-based): chr5:90,653,508, G>A. VCF-style: chr5-90653508-G-A. GRCh37 (hg19) VCF-style: chr5-89949325-G-A.
Other names: c.3934G>A (NM_032119.3); short protein forms V1312M.
Identifiers: ClinVar variation 1018806 (VCV001018806.17), dbSNP rs199552258, ClinGen allele CA3339261.